The following is an entry in ClinVar:

ClinVar aggregate classification (germline): Uncertain significance. Review status: criteria provided, multiple submitters, no conflicts (2 of 4 stars). 5 submissions from 5 submitters: Uncertain significance (5). Last evaluated 2025-09-18.

Conditions:
Cardiovascular phenotype. Identifiers: MedGen CN230736.
Long QT syndrome (LQTS). Identifiers: MedGen C0023976, MeSH D008133, MONDO:0002442. Disease mechanism: loss of function. Inheritance: Various modes of inheritance.
Cardiac arrhythmia, ankyrin-B-related. Also called: ANKYRIN-B SYNDROME. Identifiers: Orphanet 101016, Orphanet 768, MedGen C1970119, MONDO:0010958, OMIM 600919.

Allele frequency attached by ClinVar (database versions not stated): TOPMed 0.00001; gnomAD exomes 0.00002; gnomAD 0.00003 and 0.00004; ESP Exome Variant Server 0.00008.
gnomAD v4.1: 33 of 1,614,056 alleles (0.002%); highest among the groups gnomAD compares: Non-Finnish European, 0.0025%; no homozygotes.

Submissions (5):

Ambry Genetics
Classification: Uncertain significance for Cardiovascular phenotype. Last evaluated: 2025-09-18. Review status: criteria provided, single submitter. Criteria: Ambry Variant Classification Scheme 2023. Collection method: clinical testing. Allele origin: germline.
Comment: The p.K1208T variant (also known as c.3623A>C), located in coding exon 31 of the ANK2 gene, results from an A to C substitution at nucleotide position 3623. The lysine at codon 1208 is replaced by threonine, an amino acid with similar properties. This amino acid position is conserved. In addition, the in silico prediction for this alteration is inconclusive. Since supporting evidence is limited at this time, the clinical significance of this alteration remains unclear.

Labcorp Genetics (formerly Invitae), Labcorp
Classification: Uncertain significance for Long QT syndrome. Last evaluated: 2024-07-24. Review status: criteria provided, single submitter. Criteria: Invitae Variant Classification Sherloc (09022015). Collection method: clinical testing. Allele origin: germline.
Comment: This sequence change replaces lysine, which is basic and polar, with threonine, which is neutral and polar, at codon 1208 of the ANK2 protein (p.Lys1208Thr). This variant is present in population databases (rs375594801, gnomAD 0.003%). This variant has not been reported in the literature in individuals affected with ANK2-related conditions. ClinVar contains an entry for this variant (Variation ID: 190602). Advanced modeling of protein sequence and biophysical properties (such as structural, functional, and spatial information, amino acid conservation, physicochemical variation, residue mobility, and thermodynamic stability) has been performed at Invitae for this missense variant, however the output from this modeling did not meet the statistical confidence thresholds required to predict the impact of this variant on ANK2 protein function. In summary, the available evidence is currently insufficient to determine the role of this variant in disease. Therefore, it has been classified as a Variant of Uncertain Significance.

Fulgent Genetics
Classification: Uncertain significance for Cardiac arrhythmia, ankyrin-B-related. Last evaluated: 2021-10-23. Review status: criteria provided, single submitter. Criteria: ACMG Guidelines, 2015. Collection method: clinical testing. Allele origin: unknown.

ARUP Laboratories, Molecular Genetics and Genomics, ARUP Laboratories
Classification: Uncertain significance. Last evaluated: 2016-12-09. Review status: criteria provided, single submitter. Criteria: ARUP Molecular Germline Variant Investigation Process. Collection method: clinical testing. Allele origin: germline.

GeneDx
Classification: Uncertain significance. Last evaluated: 2013-05-24. Review status: criteria provided, single submitter. Criteria: GeneDx Variant Classification (06012015). Collection method: clinical testing. Allele origin: germline. Affected: yes.
Comment: p.Lys1208Thr (AAG>ACG): c.3623 A>C in exon 31 of the ANK2 gene (NM_001148.4). The Lys1208Thr variant in the ANK2 gene has not been reported as a disease-causing mutation or as a benign polymorphism to our knowledge. Lys1208Thr results in a non-conservative amino acid substitution of a positively charged Lysine residue with a neutral, polar Threonine residue at a position that is conserved across species. The Lys1208Thr variant was not observed with any significant frequency in approximately 6,500 individuals of European and African American ancestry in the NHLBI Exome Sequencing Project. However, no mutations affecting nearby residues have been reported in association with LQTS, suggesting this region of the protein may be tolerant of change. With the clinical and molecular information available at this time, we cannot definitively determine if Lys1208Thr is a disease-causing mutation or a rare benign variant. The variant is found in LQT panel(s).

NM_001148.6(ANK2):c.3623A>C (p.Lys1208Thr)

Gene: ANK2 (ankyrin 2; plus strand). Cytogenetic location: 4q26.
Variant type: single nucleotide variant.
Coding change: c.3623A>C on transcript NM_001148.6 (MANE Select); coding-DNA position 3623, A replaced by C.
Protein change: p.Lys1208Thr; replaces lysine 1208 with threonine.
Molecular consequence: missense variant.
Genome position (GRCh38, 1-based): chr4:113,336,608, A>C. VCF-style: chr4-113336608-A-C. GRCh37 (hg19) VCF-style: chr4-114257764-A-C.
Other names: p.K1208T:AAG>ACG; c.3596A>C, p.Lys1199Thr (NM_001127493.3); c.3635A>C, p.Lys1212Thr (NM_001354225.2); c.3524A>C, p.Lys1175Thr (NM_001354228.2, NM_001354258.2); c.3602A>C, p.Lys1201Thr (NM_001354230.2); c.3665A>C, p.Lys1222Thr (NM_001354231.2, NM_001354242.2); c.3659A>C, p.Lys1220Thr (NM_001354232.2); c.3620A>C, p.Lys1207Thr (NM_001354235.2, NM_001354246.2, NM_001354265.2); and 32 more; short protein forms K1199T, K1208T, K1133T, K1146T, K1161T, K1165T, K1174T, K1187T.
Identifiers: ClinVar variation 190602 (VCV000190602.17), dbSNP rs375594801, ClinGen allele CA301056.
Genomic context (GRCh38, chr4:113,336,608, plus strand): 5'-ATATATGTGTGTGTTTTTACTTTGAAAAGGCTCAACCTATGCACAGTGAGCTGGTTAAGA[A>C]GATCCTAGGCAACAAAGCTACCTTCAGCCCTATAGTCACTTTGGAACCTAGAAGAAGAAA-3'
Protein context (NP_001139.3, residues 1198-1218): AQPMHSELVK[Lys1208Thr]ILGNKATFSP